The following is an entry in ClinVar:

ClinVar aggregate classification (germline): Pathogenic. Review status: criteria provided, multiple submitters, no conflicts (2 of 4 stars). 5 submissions from 5 submitters: Pathogenic (5). Last evaluated 2026-02-02.

Conditions:
Primary ciliary dyskinesia 3. Identifiers: Orphanet 244, MedGen C1837618, MONDO:0012085, OMIM 608644.
Primary ciliary dyskinesia. Also called: Ciliary dyskinesia. Identifiers: Orphanet 244, MedGen C0008780, MONDO:0016575, HP:0012265.
Kartagener syndrome (CILD1). Also called: POLYNESIAN BRONCHIECTASIS; CILIARY DYSKINESIA, PRIMARY, 1, WITH OR WITHOUT SITUS INVERSUS; IMMOTILE CILIA SYNDROME; CILIARY DYSKINESIA, PRIMARY, 1; Dextrocardia bronchiectasis and sinusitis; SIEWERT SYNDROME. Identifiers: Orphanet 244, MedGen C4551906, MONDO:0009484, OMIM 244400.
DNAH5-related disorders.

Allele frequency attached by ClinVar (database versions not stated): gnomAD exomes below 0.00001 and 0.00002; gnomAD 0.00001; TOPMed 0.00001.
gnomAD v4.1: 7 of 1,613,620 alleles (0.00043%); highest among the groups gnomAD compares: Admixed American, 0.0033%; no homozygotes.

Submissions (5):

Coskunpinar Laboratory, Saglik Bilimleri University, Hamidiye School of Medicine
Classification: Pathogenic for Kartagener syndrome. Last evaluated: 2026-02-02. Review status: criteria provided, single submitter. Criteria: ACMG Guidelines, 2015. Collection method: research. Allele origin: germline. Affected: yes. Observed: 2 variant alleles, 2 homozygotes.
Comment: Classification aligns with existing ClinVar pathogenic assertions (CLINVAR: RCV001067712.8). Nonsense variant in an established primary ciliary dyskinesia disease gene (OMIM:244400), predicted to result in loss of function. Classification is consistent with Qiagen Clinical Insight Interpret assessment which implements ACMG/AMP variant interpretation guidelines.

Natera, Inc.
Classification: Pathogenic for Primary ciliary dyskinesia. Last evaluated: 2025-12-01. Review status: criteria provided, single submitter. Criteria: Natera Variant Classification Schema (03/2026). Collection method: clinical testing. Allele origin: germline.
Comment: The c.9346C>T variant in DNAH5 is a nonsense variant predicted to introduce a stop codon at amino acid 3116. This variant is expected to result in nonsense mediated decay, truncation, or a dysfunctional protein product. This variant is rare in the general population with a frequency below the threshold expected for the associated phenotype(s). This variant has been observed in one or more individuals affected with the associated recessive disease, as either homozygous or compound heterozygous with a second variant (PMID: 38206729). Given the available evidence, this variant is classified as Pathogenic.

Fulgent Genetics
Classification: Pathogenic for Primary ciliary dyskinesia 3. Last evaluated: 2024-06-18. Review status: criteria provided, single submitter. Criteria: ACMG Guidelines, 2015. Collection method: clinical testing. Allele origin: germline.

Blueprint Genetics
Classification: Pathogenic for DNAH5-related disorders. Last evaluated: 2023-07-07. Review status: criteria provided, single submitter. Criteria: ACMG Guidelines, 2015. Collection method: clinical testing. Allele origin: germline. Affected: yes. Observed: 4 variant alleles.

Labcorp Genetics (formerly Invitae), Labcorp
Classification: Pathogenic for Primary ciliary dyskinesia. Last evaluated: 2022-09-20. Review status: criteria provided, single submitter. Criteria: Invitae Variant Classification Sherloc (09022015). Collection method: clinical testing. Allele origin: germline.
Comment: For these reasons, this variant has been classified as Pathogenic. ClinVar contains an entry for this variant (Variation ID: 861235). This variant has not been reported in the literature in individuals affected with DNAH5-related conditions. This variant is present in population databases (no rsID available, gnomAD 0.006%). This sequence change creates a premature translational stop signal (p.Arg3116*) in the DNAH5 gene. It is expected to result in an absent or disrupted protein product. Loss-of-function variants in DNAH5 are known to be pathogenic (PMID: 11788826, 16627867).

Literature cited by the submitters: PubMed 38206729 (cited by Natera, Inc.); PubMed 11788826 (cited by Labcorp Genetics (formerly Invitae), Labcorp); PubMed 16627867 (cited by Labcorp Genetics (formerly Invitae), Labcorp).

NM_001369.3(DNAH5):c.9346C>T (p.Arg3116Ter)

Gene: DNAH5 (dynein axonemal heavy chain 5; minus strand). Cytogenetic location: 5p15.2.
Variant type: single nucleotide variant.
Coding change: c.9346C>T on transcript NM_001369.3 (MANE Select); coding-DNA position 9346, C replaced by T.
Protein change: p.Arg3116Ter; replaces arginine 3116 with a stop codon.
Molecular consequence: nonsense.
Genome position (GRCh38, 1-based): chr5:13,776,466, G>A on the plus strand (C>T on the coding strand, the complement: DNAH5 is on the minus strand). VCF-style: chr5-13776466-G-A. GRCh37 (hg19) VCF-style: chr5-13776575-G-A.
Other names: p.Arg3116*; short protein forms R3116*.
Identifiers: ClinVar variation 861235 (VCV000861235.12), dbSNP rs1264701182, ClinGen allele CA359207968.
Genomic context (GRCh38, chr5:13,776,466, plus strand): 5'-GTTATGCCCTGGCATAAACATTTCCATACTAACCAGCAACTAAAGCATCTTTGGGCCATC[G>A]GCTGAACCAGTCAATTGTGCATCCTGAAATTAGGGCAGGGAACTTCAAAGCTCTGTTTCG-3'